The following is an entry in ClinVar:

ClinVar aggregate classification (germline): Benign/Likely benign. Review status: criteria provided, multiple submitters, no conflicts (2 of 4 stars). 4 submissions from 4 submitters: Benign (1); Likely benign (3). Last evaluated 2025-02-27.

Conditions:
Multiple endocrine neoplasia type 2A. Also called: MULTIPLE ENDOCRINE NEOPLASIA, TYPE IIA; PTC SYNDROME; SIPPLE SYNDROME; MEN 2A; MEN-2A syndrome; Pheochromocytoma and amyloid producing medullary thyroid carcinoma. Identifiers: Orphanet 247698, Orphanet 653, MedGen C0025268, MeSH D018813, MONDO:0008234, OMIM 171400.
Pheochromocytoma. Also called: MAX-Related Hereditary Paraganglioma-Pheochromocytoma Syndrome. Identifiers: Orphanet 29072, MedGen C0031511, MONDO:0008233, OMIM 171300, HP:0002666.
Familial medullary thyroid carcinoma (MTC). Also called: Thyroid cancer, familial medullary; MTC, familial; Familial Medullary Thyroid Carcinoma (FMTC). Identifiers: Orphanet 653, Orphanet 99361, MedGen C1833921, MONDO:0007958, OMIM 155240.
Multiple endocrine neoplasia type 2B. Also called: MEN 2B; Multiple endocrine neoplasia, type 3; MULTIPLE ENDOCRINE NEOPLASIA, TYPE IIB; MUCOSAL NEUROMA SYNDROME; NEUROMATA, MUCOSAL, WITH ENDOCRINE TUMORS; WAGENMANN-FROBOESE SYNDROME. Identifiers: Orphanet 247709, Orphanet 653, MedGen C0025269, MeSH D018814, MONDO:0008082, OMIM 162300.
Hirschsprung disease, susceptibility to, 1 (HSCR1). Also called: RET-Related Hirschsprung Disease. Identifiers: Orphanet 388, MedGen C3888239, MONDO:0007723, OMIM 142623.
Hereditary cancer-predisposing syndrome. Also called: Neoplastic Syndromes, Hereditary; Tumor predisposition; Hereditary neoplastic syndrome; Hereditary Cancer Syndrome. Identifiers: Orphanet 140162, MedGen C0027672, MeSH D009386, MONDO:0015356.
Multiple endocrine neoplasia, type 2 (MEN2). Identifiers: Orphanet 653, MedGen C4048306, MONDO:0019003. Disease mechanism: gain of function.

Allele frequency attached by ClinVar (database versions not stated): TOPMed 0.00001; gnomAD exomes below 0.00001.
gnomAD v4.1: 2 of 1,613,442 alleles (0.00012%); highest among the groups gnomAD compares: Admixed American, 0.0017%; no homozygotes.

Submissions (4):

Myriad Genetics, Inc.
Classification: Benign for Multiple endocrine neoplasia type 2A. Last evaluated: 2025-02-27. Review status: criteria provided, single submitter. Criteria: Myriad Autosomal Dominant, Autosomal Recessive and X-Linked Classification Criteria (2023). Collection method: clinical testing. Allele origin: unknown.
Comment: This variant is considered benign. This variant is a silent/synonymous amino acid change and it is not expected to impact splicing.

Labcorp Genetics (formerly Invitae), Labcorp
Classification: Likely benign for Multiple endocrine neoplasia, type 2. Last evaluated: 2025-01-29. Review status: criteria provided, single submitter. Criteria: Invitae Variant Classification Sherloc (09022015). Collection method: clinical testing. Allele origin: germline.

Ambry Genetics
Classification: Likely benign for Hereditary cancer-predisposing syndrome. Last evaluated: 2023-10-28. Review status: criteria provided, single submitter. Criteria: Ambry Variant Classification Scheme 2023. Collection method: clinical testing. Allele origin: germline.

Fulgent Genetics
Classification: Likely benign for Hirschsprung disease, susceptibility to, 1; Familial medullary thyroid carcinoma; Multiple endocrine neoplasia type 2B; Pheochromocytoma; Multiple endocrine neoplasia type 2A. Last evaluated: 2022-03-30. Review status: criteria provided, single submitter. Criteria: ACMG Guidelines, 2015. Collection method: clinical testing. Allele origin: unknown.

NM_020975.6(RET):c.2535C>T (p.Ala845=)

Gene: RET (ret proto-oncogene; plus strand). Cytogenetic location: 10q11.21.
Variant type: single nucleotide variant.
Coding change: c.2535C>T on transcript NM_020975.6 (MANE Select); coding-DNA position 2535, C replaced by T.
Protein change: p.Ala845=; no amino-acid change (alanine 845 retained).
Molecular consequence: synonymous variant.
Genome position (GRCh38, 1-based): chr10:43,119,673, C>T. VCF-style: chr10-43119673-C-T. GRCh37 (hg19) VCF-style: chr10-43615121-C-T.
Other names: c.2535C>T, p.Ala845= (NM_000323.2, NM_001406743.1, NM_001406744.1 and 4 more transcripts); c.1773C>T, p.Ala591= (NM_001355216.2); c.2406C>T, p.Ala802= (NM_001406761.1, NM_001406762.1, NM_001406764.1); c.2400C>T, p.Ala800= (NM_001406763.1, NM_001406765.1); c.2247C>T, p.Ala749= (NM_001406766.1, NM_001406767.1, NM_001406770.1); c.2271C>T, p.Ala757= (NM_001406768.1); c.2139C>T, p.Ala713= (NM_001406769.1, NM_001406772.1); c.2097C>T, p.Ala699= (NM_001406771.1, NM_001406773.1); and 10 more.
Identifiers: ClinVar variation 24953 (VCV000024953.12), dbSNP rs377767425, ClinGen allele CA008893.
Genomic context (GRCh38, chr10:43,119,673, plus strand): 5'-CTACCTGGGCAGTGGAGGCAGCCGCAACTCCAGCTCCCTGGACCACCCGGATGAGCGGGC[C>T]CTCACCATGGGCGACCTCATCTCATTTGCCTGGCAGATCTCACAGGGGATGCAGTATCTG-3'
Protein context (NP_066124.1, residues 835-855): SSSLDHPDER[Ala845=]LTMGDLISFA